The following is an entry in ClinVar:

NM_001903.5(CTNNA1):c.1581C>T (p.Val527=)

Gene: CTNNA1 (catenin alpha 1; plus strand). Cytogenetic location: 5q31.2.
Variant type: single nucleotide variant.
Coding change: c.1581C>T on transcript NM_001903.5 (MANE Select); coding-DNA position 1581, C replaced by T.
Protein change: p.Val527=; no amino-acid change (valine 527 retained).
Molecular consequence: synonymous variant.
Genome position (GRCh38, 1-based): chr5:138,924,544, C>T. VCF-style: chr5-138924544-C-T. GRCh37 (hg19) VCF-style: chr5-138260233-C-T.
Other names: c.1581C>T, p.Val527= (NM_001290307.3, NM_001323982.2, NM_001323983.1 and 2 more transcripts); c.1272C>T, p.Val424= (NM_001290309.3); c.1212C>T, p.Val404= (NM_001290310.3); c.471C>T, p.Val157= (NM_001290312.1, NM_001323987.1, NM_001323988.1 and 17 more transcripts); c.1488C>T, p.Val496= (NM_001323986.2); c.132C>T, p.Val44= (NM_001324006.1, NM_001324007.1, NM_001324008.1 and 2 more transcripts); c.378C>T, p.Val126= (NM_001324011.1); c.228C>T, p.Val76= (NM_001324012.1, NM_001324013.1).
Identifiers: ClinVar variation 1131483 (VCV001131483.12), dbSNP rs374565959, ClinGen allele CA3431994.

ClinVar aggregate classification (germline): Benign/Likely benign. Review status: criteria provided, multiple submitters, no conflicts (2 of 4 stars). 3 submissions from 3 submitters: Benign (1); Likely benign (2). Last evaluated 2025-02-19.

Conditions:
Hereditary cancer-predisposing syndrome. Also called: Neoplastic Syndromes, Hereditary; Hereditary neoplastic syndrome; Tumor predisposition; Hereditary Cancer Syndrome. Identifiers: Orphanet 140162, MedGen C0027672, MeSH D009386, MONDO:0015356.
Hereditary diffuse gastric adenocarcinoma (HDGC). Also called: DIFFUSE GASTRIC AND LOBULAR BREAST CANCER SYNDROME. Identifiers: Orphanet 26106, MedGen C1708349, MONDO:0007648, OMIM 137215.

Allele frequency attached by ClinVar (database versions not stated): ExAC 0.00001; gnomAD 0.00001; TOPMed 0.00001; ESP Exome Variant Server 0.00008.
gnomAD v4.1: 2 of 1,614,022 alleles (0.00012%); highest among the groups gnomAD compares: African/African-American, 0.0013%; no homozygotes.

Submissions (3):

Labcorp Genetics (formerly Invitae), Labcorp
Classification: Likely benign. Last evaluated: 2025-02-19. Review status: criteria provided, single submitter. Criteria: Invitae Variant Classification Sherloc (09022015). Collection method: clinical testing. Allele origin: germline.

Myriad Genetics, Inc.
Classification: Benign for Hereditary diffuse gastric adenocarcinoma. Last evaluated: 2024-10-11. Review status: criteria provided, single submitter. Criteria: Myriad Autosomal Dominant, Autosomal Recessive and X-Linked Classification Criteria (2023). Collection method: clinical testing. Allele origin: unknown.
Comment: This variant is considered benign. This variant is a silent/synonymous amino acid change and it is not expected to impact splicing.

Ambry Genetics
Classification: Likely benign for Hereditary cancer-predisposing syndrome. Last evaluated: 2021-11-16. Review status: criteria provided, single submitter. Criteria: Ambry Variant Classification Scheme 2023. Collection method: clinical testing. Allele origin: germline.